The following is an entry in ClinVar:

NM_001184785.2(PARD3):c.258C>T (p.His86=)

Gene: PARD3 (par-3 family cell polarity regulator; minus strand). Cytogenetic location: 10p11.21.
Variant type: single nucleotide variant.
Coding change: c.258C>T on transcript NM_001184785.2 (MANE Select); coding-DNA position 258, C replaced by T.
Protein change: p.His86=; no amino-acid change (histidine 86 retained).
Molecular consequence: synonymous variant.
Genome position (GRCh38, 1-based): chr10:34,517,124, G>A on the plus strand (C>T on the coding strand, the complement: PARD3 is on the minus strand). VCF-style: chr10-34517124-G-A. GRCh37 (hg19) VCF-style: chr10-34806052-G-A.
Other names: c.258C>T, p.His86= (NM_001184786.2, NM_001184787.2, NM_001184788.2 and 7 more transcripts).
Identifiers: ClinVar variation 714451 (VCV000714451.6), dbSNP rs112281243, ClinGen allele CA5468224.

ClinVar aggregate classification (germline): Benign. Review status: criteria provided, single submitter (1 of 4 stars). 2 submissions from 2 submitters: Benign (1). 1 of the submissions does not count toward it. Last evaluated 2019-12-31.

Conditions:
PARD3-related disorder. Also called: PARD3-related condition.

Allele frequency attached by ClinVar (database versions not stated): gnomAD exomes 0.00133 and 0.00353; ExAC 0.00426; gnomAD 0.01296 and 0.01380; TOPMed 0.01469; ESP Exome Variant Server 0.01507; 1000 Genomes Project 0.01558; 1000 Genomes Project 30x 0.01562.
gnomAD v4.1: 4,020 of 1,614,132 alleles (0.25%); highest among the groups gnomAD compares: African/African-American, 4.5%; 88 homozygotes.

Submissions (2):

Labcorp Genetics (formerly Invitae), Labcorp
Classification: Benign. Last evaluated: 2019-12-31. Review status: criteria provided, single submitter. Criteria: Invitae Variant Classification Sherloc (09022015). Collection method: clinical testing. Allele origin: germline.

PreventionGenetics, part of Exact Sciences
Classification: Benign for PARD3-related condition. Last evaluated: 2019-03-21. Review status: no assertion criteria provided. Collection method: clinical testing. Allele origin: germline. Not counted in ClinVar's aggregate classification.
Comment: This variant is classified as benign based on ACMG/AMP sequence variant interpretation guidelines (Richards et al. 2015 PMID: 25741868, with internal and published modifications).